The following is an entry in ClinVar:

NM_130849.4(SLC39A4):c.878G>A (p.Trp293Ter)

Gene: SLC39A4 (solute carrier family 39 member 4; minus strand). Cytogenetic location: 8q24.3.
Variant type: single nucleotide variant.
Coding change: c.878G>A on transcript NM_130849.4 (MANE Select); coding-DNA position 878, G replaced by A.
Protein change: p.Trp293Ter; replaces tryptophan 293 with a stop codon.
Molecular consequence: nonsense.
Genome position (GRCh38, 1-based): chr8:144,414,823, C>T on the plus strand (G>A on the coding strand, the complement: SLC39A4 is on the minus strand). VCF-style: chr8-144414823-C-T. GRCh37 (hg19) VCF-style: chr8-145640207-C-T.
Other names: c.596G>A, p.Trp199Ter (NM_001374839.1); c.803G>A, p.Trp268Ter (NM_017767.3); short protein forms W268*, W199*, W293*.
Identifiers: ClinVar variation 3020968 (VCV003020968.3), dbSNP rs2537433762, ClinGen allele CA372621904.

ClinVar aggregate classification (germline): Pathogenic (1 of 4 stars; one submission).

Submission:

Labcorp Genetics (formerly Invitae), Labcorp
Classification: Pathogenic. Last evaluated: 2023-06-09. Review status: criteria provided, single submitter. Criteria: Invitae Variant Classification Sherloc (09022015). Collection method: clinical testing. Allele origin: germline.
Comment: This sequence change creates a premature translational stop signal (p.Trp293*) in the SLC39A4 gene. It is expected to result in an absent or disrupted protein product. Loss-of-function variants in SLC39A4 are known to be pathogenic (PMID: 12955721). This variant is not present in population databases (gnomAD no frequency). This variant has not been reported in the literature in individuals affected with SLC39A4-related conditions. For these reasons, this variant has been classified as Pathogenic.

Literature cited by the submitters: PubMed 12955721.